The following is an entry in ClinVar:

ClinVar aggregate classification (germline): Uncertain significance. Review status: criteria provided, multiple submitters, no conflicts (2 of 4 stars). 2 submissions from 2 submitters: Uncertain significance (2). Last evaluated 2022-09-25.

Conditions:
Progressive sclerosing poliodystrophy (MTDPS4A). Also called: NEURONAL DEGENERATION OF CHILDHOOD WITH LIVER DISEASE, PROGRESSIVE; Alpers Syndrome; ALPERS DIFFUSE DEGENERATION OF CEREBRAL GRAY MATTER WITH HEPATIC CIRRHOSIS; Alpers-Huttenlocher Syndrome; Mitochondrial DNA depletion syndrome 4A (Alpers type); Mitochondrial DNA Depletion Syndrome 4A. Identifiers: Orphanet 726, MedGen C0205710, MONDO:0008758, OMIM 203700.

gnomAD v4.1: 1 of 1,613,982 alleles (0.000062%); highest among the groups gnomAD compares: Non-Finnish European, 0.000085%; no homozygotes.

Submissions (2):

Labcorp Genetics (formerly Invitae), Labcorp
Classification: Uncertain significance for Progressive sclerosing poliodystrophy. Last evaluated: 2022-09-25. Review status: criteria provided, single submitter. Criteria: Invitae Variant Classification Sherloc (09022015). Collection method: clinical testing. Allele origin: germline.
Comment: In summary, the available evidence is currently insufficient to determine the role of this variant in disease. Therefore, it has been classified as a Variant of Uncertain Significance. Advanced modeling of protein sequence and biophysical properties (such as structural, functional, and spatial information, amino acid conservation, physicochemical variation, residue mobility, and thermodynamic stability) has been performed at Invitae for this missense variant, however the output from this modeling did not meet the statistical confidence thresholds required to predict the impact of this variant on POLG protein function. ClinVar contains an entry for this variant (Variation ID: 1357478). This variant has not been reported in the literature in individuals affected with POLG-related conditions. This variant is not present in population databases (gnomAD no frequency). This sequence change replaces leucine, which is neutral and non-polar, with isoleucine, which is neutral and non-polar, at codon 566 of the POLG protein (p.Leu566Ile).

GeneDx
Classification: Uncertain significance. Last evaluated: 2022-05-04. Review status: criteria provided, single submitter. Criteria: GeneDx Variant Classification Process June 2021. Collection method: clinical testing. Allele origin: germline. Affected: yes.
Comment: Not observed at significant frequency in large population cohorts (gnomAD); In silico analysis supports that this missense variant does not alter protein structure/function; Has not been previously published as pathogenic or benign to our knowledge

NM_002693.3(POLG):c.1696C>A (p.Leu566Ile)

Gene: POLG (DNA polymerase gamma, catalytic subunit; minus strand). Cytogenetic location: 15q26.1.
Variant type: single nucleotide variant.
Coding change: c.1696C>A on transcript NM_002693.3 (MANE Select); coding-DNA position 1696, C replaced by A.
Protein change: p.Leu566Ile; replaces leucine 566 with isoleucine.
Molecular consequence: missense variant.
Genome position (GRCh38, 1-based): chr15:89,326,628, G>T on the plus strand (C>A on the coding strand, the complement: POLG is on the minus strand). VCF-style: chr15-89326628-G-T. GRCh37 (hg19) VCF-style: chr15-89869859-G-T.
Other names: c.1696C>A, p.Leu566Ile (NM_001126131.2); short protein forms L566I.
Identifiers: ClinVar variation 1357478 (VCV001357478.7), dbSNP rs559937676, ClinGen allele CA393760451.
Genomic context (GRCh38, chr15:89,326,628, plus strand): 5'-AAGGGTAGACTCTAGATACACTGCTGGGGGTGGGCAGGGCTCACCCAGGGTGTCCAGGAA[G>T]GTGCTGGGGCCGCTTGGGCAGGAGCTCTGTGGTCCCCTTCAGCTTCTGCAAGCAGGCGCG-3'
Protein context (NP_002684.1, residues 556-576): TELLPKRPQH[Leu566Ile]PGHPGWYRKL